The following is an entry in ClinVar:

ClinVar aggregate classification (germline): Uncertain significance (1 of 4 stars; one submission).

Submission:

Labcorp Genetics (formerly Invitae), Labcorp
Classification: Uncertain significance. Last evaluated: 2021-07-21. Review status: criteria provided, single submitter. Criteria: Invitae Variant Classification Sherloc (09022015). Collection method: clinical testing. Allele origin: germline.
Comment: This sequence change replaces threonine with proline at codon 407 of the COL7A1 protein (p.Thr407Pro). The threonine residue is weakly conserved and there is a small physicochemical difference between threonine and proline. This variant is not present in population databases (ExAC no frequency). This variant has not been reported in the literature in individuals affected with COL7A1-related conditions. Advanced modeling of protein sequence and biophysical properties (such as structural, functional, and spatial information, amino acid conservation, physicochemical variation, residue mobility, and thermodynamic stability) performed at Invitae indicates that this missense variant is not expected to disrupt COL7A1 protein function. In summary, the available evidence is currently insufficient to determine the role of this variant in disease. Therefore, it has been classified as a Variant of Uncertain Significance.

NM_000094.4(COL7A1):c.1219A>C (p.Thr407Pro)

Gene: COL7A1 (collagen type VII alpha 1 chain; minus strand). Cytogenetic location: 3p21.31.
Variant type: single nucleotide variant.
Coding change: c.1219A>C on transcript NM_000094.4 (MANE Select); coding-DNA position 1219, A replaced by C.
Protein change: p.Thr407Pro; replaces threonine 407 with proline.
Molecular consequence: missense variant.
Genome position (GRCh38, 1-based): chr3:48,592,123, T>G on the plus strand (A>C on the coding strand, the complement: COL7A1 is on the minus strand). VCF-style: chr3-48592123-T-G. GRCh37 (hg19) VCF-style: chr3-48629556-T-G.
Other names: short protein forms T407P.
Identifiers: ClinVar variation 1928722 (VCV001928722.2), dbSNP rs1296226515, ClinGen allele CA352737066.
Genomic context (GRCh38, chr3:48,592,123, plus strand): 5'-TGCCCGTCCCAGCCTGAAGAAAGTGCCCAGCCTTCTCACCAGTGCGAGCCATCAGGGAAG[T>G]GGCGGGCCCCACACTGCGGCCAAATAGGGTGCTCACGGTCACCTCATAGTCCGTGCCAGG-3'
Protein context (NP_000085.1, residues 397-417): TLFGRSVGPA[Thr407Pro]SLMARTDASV